The following is an entry in ClinVar:

NM_012330.4(KAT6B):c.4237G>T (p.Glu1413Ter)

Gene: KAT6B (lysine acetyltransferase 6B; plus strand). Cytogenetic location: 10q22.2.
Variant type: single nucleotide variant.
Coding change: c.4237G>T on transcript NM_012330.4 (MANE Select); coding-DNA position 4237, G replaced by T.
Protein change: p.Glu1413Ter; replaces glutamic acid 1413 with a stop codon.
Molecular consequence: nonsense.
Genome position (GRCh38, 1-based): chr10:75,029,061, G>T. VCF-style: chr10-75029061-G-T. GRCh37 (hg19) VCF-style: chr10-76788819-G-T.
Other names: c.4237G>T, p.Glu1413Ter (NM_001370136.1, NM_001370137.1); c.3688G>T, p.Glu1230Ter (NM_001370138.1, NM_001256468.2); c.3361G>T, p.Glu1121Ter (NM_001370139.1, NM_001370140.1, NM_001370141.1 and 2 more transcripts); c.3172G>T, p.Glu1058Ter (NM_001370143.1, NM_001370144.1); c.3199G>T, p.Glu1067Ter (NM_001370132.1); c.2548G>T, p.Glu850Ter (NM_001370133.1); c.2152G>T, p.Glu718Ter (NM_001370134.1); c.1894G>T, p.Glu632Ter (NM_001370135.1); short protein forms E1058*, E1067*, E1121*, E1230*, E1413*, E632*, E718*, E850*.
Identifiers: ClinVar variation 3236131 (VCV003236131.1), dbSNP rs1169094796, ClinGen allele CA377296502.
Genomic context (GRCh38, chr10:75,029,061, plus strand): 5'-CCAGAAATCTCCACGGAAAAAGAAGACTCTGCACGTTTGGATGATCACGAAGAGGAGGAG[G>T]AAGAGGATGAAGAGCCATCCCACAACGAGGACCATGATGCCGATGACGAGGATGACAGCC-3'

ClinVar aggregate classification (germline): Pathogenic (1 of 4 stars; one submission).

Conditions:
Blepharophimosis - intellectual disability syndrome, SBBYS type (SBBYSS). Also called: Say-Barber-Biesecker-Young-Simpson variant of Ohdo Syndrome; Say-Barber-Biesecker Variant of Ohdo Syndrome; Say-Barber-Biesecker variant of Ohdo syndrome (SBBYSS); Young Simpson syndrome; Mental retardation unusual facies hypothyroidism; Ohdo syndrome, SBBYS variant. Identifiers: Orphanet 3047, MedGen C1863557, MONDO:0011365, OMIM 603736.

Submission:

MVZ Medizinische Genetik Mainz
Classification: Pathogenic for Blepharophimosis - intellectual disability syndrome, SBBYS type. Last evaluated: 2023-02-14. Review status: criteria provided, single submitter. Criteria: UK Practice Guidelines For Variant Classification V4 01 2020. Collection method: clinical testing. Allele origin: germline. Inheritance: Autosomal dominant inheritance. Affected: yes. Observed: 1 variant allele.
Comment: ACMG Criteria: PVS1, PM2_SUP, PP4 (ACMG Version 4)